The following is an entry in ClinVar:

NM_021035.3(ZNFX1):c.2110C>T (p.Arg704Cys)

Gene: ZNFX1 (zinc finger NFX1-type containing 1; minus strand). Cytogenetic location: 20q13.13.
Variant type: single nucleotide variant.
Coding change: c.2110C>T on transcript NM_021035.3 (MANE Select); coding-DNA position 2110, C replaced by T.
Protein change: p.Arg704Cys; replaces arginine 704 with cysteine.
Molecular consequence: missense variant.
Genome position (GRCh38, 1-based): chr20:49,264,757, G>A on the plus strand (C>T on the coding strand, the complement: ZNFX1 is on the minus strand). VCF-style: chr20-49264757-G-A. GRCh37 (hg19) VCF-style: chr20-47881294-G-A.
Other names: short protein forms R704C.
Identifiers: ClinVar variation 2472277 (VCV002472277.4), dbSNP rs201534130, ClinGen allele CA9902392.
Genomic context (GRCh38, chr20:49,264,757, plus strand): 5'-TTTCAGAGCTGGGACTTACACTCATGTAGGCCCTTCGGAGGTGCATGGGGAGGTTGCGGC[G>A]GAATTCCCGCTTGTTCCTCAGCTCCCTTAGGGTGAACTGCTTCAGGATTTCACTGTTGCT-3'
Protein context (NP_066363.1, residues 694-714): LRELRNKREF[Arg704Cys]RNLPMHLRRA

ClinVar aggregate classification (germline): Uncertain significance. Review status: criteria provided, multiple submitters, no conflicts (2 of 4 stars). 2 submissions from 2 submitters: Uncertain significance (2). Last evaluated 2025-01-15.

Conditions:
Inborn genetic diseases. Identifiers: MedGen C0950123, MeSH D030342.

Allele frequency attached by ClinVar (database versions not stated): ExAC 0.00003; gnomAD 0.00001; gnomAD exomes 0.00003; TOPMed 0.00003.
gnomAD v4.1: 49 of 1,613,992 alleles (0.003%); highest among the groups gnomAD compares: Non-Finnish European, 0.0038%; no homozygotes.

Submissions (2):

Dasa
Classification: Uncertain significance. Last evaluated: 2025-01-15. Review status: criteria provided, single submitter. Criteria: DASA Assertion Criteria. Collection method: clinical testing. Allele origin: germline.
Comment: NM_021035.3(ZNFX1):c.2110C>T (p.Arg704Cys) is a missense variant that results in the substitution of arginine with cysteine. This variant is rare in population databases. Computational prediction algorithms are consistent with a benign effect. The currently available literature and clinical evidence are not sufficient to establish a definitive association between this variant and the reported condition. Therefore, this variant is classified as a variant of uncertain significance.

Ambry Genetics
Classification: Uncertain significance for Inborn genetic diseases. Last evaluated: 2023-01-24. Review status: criteria provided, single submitter. Criteria: Ambry Variant Classification Scheme 2023. Collection method: clinical testing. Allele origin: germline.